The following is an entry in ClinVar:

ClinVar aggregate classification (germline): Pathogenic (1 of 4 stars; one submission).

Conditions:
Hereditary breast ovarian cancer syndrome. Also called: BRCA1- and BRCA2-Associated Hereditary Breast and Ovarian Cancer; Hereditary breast and ovarian cancer syndrome (HBOC); Hereditary breast and/or ovarian cancer syndrome; Hereditary breast and ovarian cancer syndrome; Hereditary breast and ovarian cancer; Breast and ovarian cancer. Identifiers: Orphanet 145, MedGen C0677776, MeSH D061325, MONDO:0003582. Disease mechanism: loss of function.

Submission:

Labcorp Genetics (formerly Invitae), Labcorp
Classification: Pathogenic for Hereditary breast ovarian cancer syndrome. Last evaluated: 2015-09-13. Review status: criteria provided, single submitter. Criteria: Invitae Variant Classification Sherloc (09022015). Collection method: clinical testing. Allele origin: germline.
Comment: This variant is a gross deletion of the genomic region encompassing exons 17-18 of the BRCA2 gene. This is expected to create a premature translational stop signal and result in an absent or disrupted protein product. Truncating variants in BRCA2 are known to be pathogenic. This particular deletion has been reported in an individual affected with breast cancer (PMID: 16199546). For these reasons, this variant has been classified as Pathogenic.

NM_000059.3(BRCA2):c.7806-?_8331+?del

Gene: BRCA2 (BRCA2 DNA repair associated; plus strand).
Variant type: Deletion.
Coding change: c.7806-?_8331+?del on transcript NM_000059.3.
Other names: c.7806-?_8331+?del (LRG_293t1).
Identifiers: ClinVar variation 220215 (VCV000220215.1).